The following is an entry in ClinVar:

NM_001458.5(FLNC):c.899T>G (p.Val300Gly)

Gene: FLNC (filamin C; plus strand). Cytogenetic location: 7q32.1.
Variant type: single nucleotide variant.
Coding change: c.899T>G on transcript NM_001458.5 (MANE Select); coding-DNA position 899, T replaced by G.
Protein change: p.Val300Gly; replaces valine 300 with glycine.
Molecular consequence: missense variant.
Genome position (GRCh38, 1-based): chr7:128,837,685, T>G. VCF-style: chr7-128837685-T-G. GRCh37 (hg19) VCF-style: chr7-128477739-T-G.
Other names: c.899T>G, p.Val300Gly (NM_001127487.2); short protein forms V300G.
Identifiers: ClinVar variation 1402254 (VCV001402254.8), dbSNP rs2128934238, ClinGen allele CA369223038.

ClinVar aggregate classification (germline): Uncertain significance (1 of 4 stars; one submission).

Conditions:
Hypertrophic cardiomyopathy 26. Also called: Cardiomyopathy, familial hypertrophic, 26. Identifiers: Orphanet 75249, MedGen C4310749, MONDO:0014883, OMIM 617047.
Myofibrillar myopathy 5. Also called: FILAMINOPATHY, AUTOSOMAL DOMINANT; Filaminopathy (type). Identifiers: Orphanet 171445, MedGen C1836050, MONDO:0012289, OMIM 609524.
Distal myopathy with posterior leg and anterior hand involvement. Also called: WILLIAMS DISTAL MYOPATHY. Identifiers: Orphanet 63273, MedGen C3279722, MONDO:0013550, OMIM 614065.

Submission:

Labcorp Genetics (formerly Invitae), Labcorp
Classification: Uncertain significance for Distal myopathy with posterior leg and anterior hand involvement; Myofibrillar myopathy 5; Hypertrophic cardiomyopathy 26. Last evaluated: 2021-06-22. Review status: criteria provided, single submitter. Criteria: Invitae Variant Classification Sherloc (09022015). Collection method: clinical testing. Allele origin: germline.
Comment: This sequence change replaces valine with glycine at codon 300 of the FLNC protein (p.Val300Gly). The valine residue is moderately conserved and there is a moderate physicochemical difference between valine and glycine. This variant is not present in population databases (ExAC no frequency). This variant has not been reported in the literature in individuals with FLNC-related conditions. Algorithms developed to predict the effect of missense changes on protein structure and function are either unavailable or do not agree on the potential impact of this missense change (SIFT: "Deleterious"; PolyPhen-2: "Probably Damaging"; Align-GVGD: "Class C0"). In summary, the available evidence is currently insufficient to determine the role of this variant in disease. Therefore, it has been classified as a Variant of Uncertain Significance.